The following is an entry in ClinVar:

NM_001376.5(DYNC1H1):c.9642+13C>T

Gene: DYNC1H1 (dynein cytoplasmic 1 heavy chain 1; plus strand). Cytogenetic location: 14q32.31.
Variant type: single nucleotide variant.
Coding change: c.9642+13C>T on transcript NM_001376.5 (MANE Select); 13 bases into the intron after coding-DNA position 9642, C replaced by T.
Molecular consequence: intron variant.
Genome position (GRCh38, 1-based): chr14:102,029,725, C>T. VCF-style: chr14-102029725-C-T. GRCh37 (hg19) VCF-style: chr14-102496062-C-T.
Identifiers: ClinVar variation 452913 (VCV000452913.7), dbSNP rs760557941, ClinGen allele CA7353256.

ClinVar aggregate classification (germline): Uncertain significance. Review status: criteria provided, multiple submitters, no conflicts (2 of 4 stars). 2 submissions from 2 submitters: Uncertain significance (2). Last evaluated 2022-09-12.

Conditions:
Charcot-Marie-Tooth disease axonal type 2O. Also called: CHARCOT-MARIE-TOOTH NEUROPATHY, AXONAL, TYPE 2O; CHARCOT-MARIE-TOOTH DISEASE, AXONAL, AUTOSOMAL DOMINANT, TYPE 2O; Charcot-Marie-Tooth Neuropathy Type 2O; Charcot-Marie-Tooth disease, axonal, type 20. Identifiers: Orphanet 284232, MedGen C3280220, MONDO:0013644, OMIM 614228.

Allele frequency attached by ClinVar (database versions not stated): gnomAD exomes below 0.00001; ExAC 0.00001; gnomAD 0.00001.
gnomAD v4.1: 5 of 1,614,056 alleles (0.00031%); highest among the groups gnomAD compares: East Asian, 0.0045%; no homozygotes.

Submissions (3):

Labcorp Genetics (formerly Invitae), Labcorp
Classification: Uncertain significance for Charcot-Marie-Tooth disease axonal type 2O. Last evaluated: 2022-09-12. Review status: criteria provided, single submitter. Criteria: Invitae Variant Classification Sherloc (09022015). Collection method: clinical testing. Allele origin: germline.
Comment: In summary, the available evidence is currently insufficient to determine the role of this variant in disease. Therefore, it has been classified as a Variant of Uncertain Significance. Algorithms developed to predict the effect of sequence changes on RNA splicing suggest that this variant may create or strengthen a splice site. ClinVar contains an entry for this variant (Variation ID: 452913). This variant has not been reported in the literature in individuals affected with DYNC1H1-related conditions. This variant is present in population databases (rs760557941, gnomAD 0.006%). This sequence change falls in intron 49 of the DYNC1H1 gene. It does not directly change the encoded amino acid sequence of the DYNC1H1 protein.

GeneDx
Classification: Uncertain significance. Last evaluated: 2017-10-24. Review status: criteria provided, single submitter. Criteria: GeneDx Variant Classification (06012015). Collection method: clinical testing. Allele origin: germline. Affected: yes.
Comment: The c.9642+13 C>T variant has not been published as a pathogenic variant, nor has it been reported as a benign variant to our knowledge. This variant is observed in 1/17248 (0.006%) alleles from individuals of East Asian background, in large population cohorts (Lek et al., 2016). Several in-silico splice prediction models predict that c.9642+13 C>T may create or increase the strength of a cryptic splice donor site which may supplant the natural donor site and lead to abnormal gene splicing. However, in the absence of RNA/functional studies, the actual effect of this sequence change in this individual is unknown. Therefore, based on the currently available information, it is unclear whether this variant is a pathogenic variant or a rare benign variant.

Dr. Peter K. Rogan Lab, Western University
No classification provided (evidence only). Condition: Gastric cancer. Review status: no classification provided. Collection method: in vitro. Allele origin: not applicable. Functional consequence: retained intron. Not counted in ClinVar's aggregate classification.